The following is an entry in ClinVar:

ClinVar aggregate classification (germline): Pathogenic/Likely pathogenic. Review status: criteria provided, multiple submitters, no conflicts (2 of 4 stars). 7 submissions from 7 submitters: Pathogenic (6); Likely pathogenic (1). Last evaluated 2025-11-27.

Conditions:
Cryohydrocytosis. Also called: STOMATOCYTOSIS, COLD-SENSITIVE; CRYOHYDROCYTOSIS DUE TO BAND 3 HEMEL; CRYOHYDROCYTOSIS DUE TO BAND 3 HURSTPIERPOINT; CRYOHYDROCYTOSIS DUE TO BAND 3 BLACKBURN; Hereditary cryohydrocytosis with normal stomatin. Identifiers: Orphanet 398088, MedGen C1861453, MONDO:0008494, OMIM 185020.
Southeast Asian ovalocytosis. Also called: HE, STOMATOCYTIC; Elliptocytosis 4; Stomatocytic elliptocytosis, hereditary; Ovalocytosis, Malaysian-Melanesian-Filipino type. Identifiers: Orphanet 98868, MedGen C1862322, MONDO:0008165, OMIM 166900.
Autosomal dominant distal renal tubular acidosis (DRTA1). Also called: RTA, CLASSIC TYPE; RTA, DISTAL TYPE, AUTOSOMAL DOMINANT; RTA, GRADIENT TYPE; RENAL TUBULAR ACIDOSIS, DISTAL, 1; Renal Tubular Acidosis, Type I. Identifiers: Orphanet 93608, MedGen CN280572, MONDO:0008368, OMIM 179800.
Renal tubular acidosis, distal, 4, with hemolytic anemia. Also called: Renal Tubular Acidosis, Distal, with Hemolytic Anemia. Identifiers: Orphanet 93610, MedGen C5436235, MONDO:0012700, OMIM 611590.
Malaria, susceptibility to. Identifiers: Orphanet 673, MedGen C1970028, MONDO:0021024, OMIM 611162.
BLOOD GROUP--DIEGO SYSTEM (DI). Identifiers: MedGen C1292286, OMIM 110500.
BLOOD GROUP--FROESE (FR). Also called: FROESE BLOOD GROUP ANTIGEN. Identifiers: MedGen C1832168, OMIM 601551.
BLOOD GROUP--WRIGHT ANTIGEN (WR). Identifiers: MedGen C1862190, OMIM 112050.
BLOOD GROUP--SWANN SYSTEM (SW). Also called: SWANN BLOOD GROUP. Identifiers: MedGen C1832169, OMIM 601550.
BLOOD GROUP, WALDNER (WD). Also called: WALDNER BLOOD GROUP ANTIGEN. Identifiers: MedGen C1862191, OMIM 112010.
Hereditary spherocytosis type 4. Also called: SLC4A1-Related Spherocytosis. Identifiers: Orphanet 822, MedGen C2675212, MONDO:0012981, OMIM 612653.

gnomAD v4.1: 3 of 1,614,044 alleles (0.00019%); highest among the groups gnomAD compares: Non-Finnish European, 0.00025%; no homozygotes.

Submissions (7):

Labcorp Genetics (formerly Invitae), Labcorp
Classification: Pathogenic. Last evaluated: 2025-11-27. Review status: criteria provided, single submitter. Criteria: Invitae Variant Classification Sherloc (09022015). Collection method: clinical testing. Allele origin: germline.
Comment: This sequence change creates a premature translational stop signal (p.Arg344*) in the SLC4A1 gene. It is expected to result in an absent or disrupted protein product. Loss-of-function variants in SLC4A1 are known to be pathogenic (PMID: 8943874, 10926824, 23255290). This variant is not present in population databases (gnomAD no frequency). This premature translational stop signal has been observed in individual(s) with hereditary spherocytosis (PMID: 23255290). ClinVar contains an entry for this variant (Variation ID: 620131). For these reasons, this variant has been classified as Pathogenic.

Genesolutions, Medical Genetics Institutes, Ho Chi Minh City, Vietnam
Classification: Pathogenic for Hereditary spherocytosis type 4. Last evaluated: 2025-09-24. Review status: criteria provided, single submitter. Criteria: ACMG Guidelines, 2015. Collection method: clinical testing. Allele origin: germline. Affected: yes.

Revvity Omics, Revvity
Classification: Likely pathogenic. Last evaluated: 2024-12-04. Review status: criteria provided, single submitter. Criteria: ACMG Guidelines, 2015. Collection method: clinical testing. Allele origin: germline.

Mayo Clinic Laboratories, Mayo Clinic
Classification: Pathogenic. Last evaluated: 2024-01-04. Review status: criteria provided, single submitter. Criteria: ACMG Guidelines, 2015. Collection method: clinical testing. Allele origin: germline.
Comment: PM2_moderate, PS4_moderate, PVS1

Fulgent Genetics
Classification: Pathogenic for BLOOD GROUP--DIEGO SYSTEM; BLOOD GROUP, WALDNER; BLOOD GROUP--WRIGHT ANTIGEN; Southeast Asian ovalocytosis; Autosomal dominant distal renal tubular acidosis; Cryohydrocytosis; BLOOD GROUP--SWANN SYSTEM; BLOOD GROUP--FROESE; Malaria, susceptibility to; Renal tubular acidosis, distal, 4, with hemolytic anemia; Hereditary spherocytosis type 4. Last evaluated: 2022-02-25. Review status: criteria provided, single submitter. Criteria: ACMG Guidelines, 2015. Collection method: clinical testing. Allele origin: unknown.

ARUP Laboratories, Molecular Genetics and Genomics, ARUP Laboratories
Classification: Pathogenic. Last evaluated: 2021-05-06. Review status: criteria provided, single submitter. Criteria: ARUP Molecular Germline Variant Investigation Process 2021. Collection method: clinical testing. Allele origin: germline.

GeneDx
Classification: Pathogenic. Last evaluated: 2018-06-13. Review status: criteria provided, single submitter. Criteria: GeneDx Variant Classification (06012015). Collection method: clinical testing. Allele origin: germline. Affected: yes.
Comment: The R344X variant in the SLC4A1 gene has been reported previously in the heterozygous state in association with hereditary spherocytosis (Van Zwieten et al., 2013; Huisjes et al., 2018). This variant is predicted to cause loss of normal protein function either through protein truncation or nonsense-mediated mRNA decay. The R344X variant is not observed in large population cohorts (Lek et al., 2016). We interpret R344X as a pathogenic variant.

Literature cited by the submitters: PubMed 8943874 (cited by Labcorp Genetics (formerly Invitae), Labcorp); PubMed 10926824 (cited by Labcorp Genetics (formerly Invitae), Labcorp); PubMed 23255290 (cited by Labcorp Genetics (formerly Invitae), Labcorp and Mayo Clinic Laboratories, Mayo Clinic); PubMed 31147440 (cited by Mayo Clinic Laboratories, Mayo Clinic); PubMed 35845192 (cited by Mayo Clinic Laboratories, Mayo Clinic).

NM_000342.4(SLC4A1):c.1030C>T (p.Arg344Ter)

Gene: SLC4A1 (solute carrier family 4 member 1 (Diego blood group); minus strand). Cytogenetic location: 17q21.31.
Variant type: single nucleotide variant.
Coding change: c.1030C>T on transcript NM_000342.4 (MANE Select); coding-DNA position 1030, C replaced by T.
Protein change: p.Arg344Ter; replaces arginine 344 with a stop codon.
Molecular consequence: nonsense.
Genome position (GRCh38, 1-based): chr17:44,258,470, G>A on the plus strand (C>T on the coding strand, the complement: SLC4A1 is on the minus strand). VCF-style: chr17-44258470-G-A. GRCh37 (hg19) VCF-style: chr17-42335838-G-A.
Other names: p.Arg344*; short protein forms R344*.
Identifiers: ClinVar variation 620131 (VCV000620131.19), dbSNP rs750930293, ClinGen allele CA399788576.